The following is an entry in ClinVar:

ClinVar aggregate classification (germline): Benign. Review status: criteria provided, multiple submitters, no conflicts (2 of 4 stars). 2 submissions from 2 submitters: Benign (2). Last evaluated 2018-01-12.

Conditions:
Autosomal dominant aplasia and myelodysplasia. Also called: Bone marrow failure syndrome 1. Identifiers: Orphanet 314399, MedGen C3808553, MONDO:0013851, OMIM 614675.

Allele frequency attached by ClinVar (database versions not stated): gnomAD 0.13095 and 0.13141; TOPMed 0.13119; 1000 Genomes Project 30x 0.17052; 1000 Genomes Project 0.17192.

Submissions (2):

Illumina Laboratory Services, Illumina
Classification: Benign for Autosomal dominant aplasia and myelodysplasia. Last evaluated: 2018-01-12. Review status: criteria provided, single submitter. Criteria: ICSL Variant Classification Criteria 13 December 2019. Collection method: clinical testing. Allele origin: germline.
Comment: This variant was observed in the ICSL laboratory as part of a predisposition screen in an ostensibly healthy population. It had not been previously curated by ICSL or reported in the Human Gene Mutation Database (HGMD: prior to June 1st, 2018), and was therefore a candidate for classification through an automated scoring system. Utilizing variant allele frequency, disease prevalence and penetrance estimates, and inheritance mode, an automated score was calculated to assess if this variant is too frequent to cause the disease. Based on the score and internal cut-off values, a variant classified as benign is not then subjected to further curation. The score for this variant resulted in a classification of benign for this disease.

Breakthrough Genomics
Classification: Benign. Review status: criteria provided, single submitter. Criteria: ACMG Guidelines, 2015. Collection method: not provided. Allele origin: germline. Inheritance: Autosomal dominant inheritance. Affected: yes.

NM_006947.4(SRP72):c.*1603A>G

Gene: SRP72 (signal recognition particle 72; plus strand). Cytogenetic location: 4q12.
Variant type: single nucleotide variant.
Coding change: c.*1603A>G on transcript NM_006947.4 (MANE Select); 1603 bases downstream of the stop codon, A replaced by G.
Molecular consequence: 3 prime UTR variant. On other transcripts: non-coding transcript variant (1).
Genome position (GRCh38, 1-based): chr4:56,503,464, A>G. VCF-style: chr4-56503464-A-G. GRCh37 (hg19) VCF-style: chr4-57369630-A-G.
Other names: c.*1603A>G (NM_001267722.2).
Identifiers: ClinVar variation 349161 (VCV000349161.6), dbSNP rs1142851, ClinGen allele CA10617994.